The following is an entry in ClinVar:

NM_003052.5(SLC34A1):c.840+2T>C

Gene: SLC34A1 (solute carrier family 34 member 1; plus strand). Cytogenetic location: 5q35.3.
Variant type: single nucleotide variant.
Coding change: c.840+2T>C on transcript NM_003052.5 (MANE Select); the canonical splice donor site of the intron after coding-DNA position 840, T replaced by C.
Molecular consequence: splice donor variant.
Genome position (GRCh38, 1-based): chr5:177,388,191, T>C. VCF-style: chr5-177388191-T-C. GRCh37 (hg19) VCF-style: chr5-176815192-T-C.
Other names: c.840+2T>C (NM_001167579.2).
Identifiers: ClinVar variation 2827706 (VCV002827706.3), dbSNP rs141827822, ClinGen allele CA362365663.

ClinVar aggregate classification (germline): Likely pathogenic (1 of 4 stars; one submission).

Submission:

Labcorp Genetics (formerly Invitae), Labcorp
Classification: Likely pathogenic. Last evaluated: 2023-01-11. Review status: criteria provided, single submitter. Criteria: Invitae Variant Classification Sherloc (09022015). Collection method: clinical testing. Allele origin: germline.
Comment: In summary, the currently available evidence indicates that the variant is pathogenic, but additional data are needed to prove that conclusively. Therefore, this variant has been classified as Likely Pathogenic. Algorithms developed to predict the effect of sequence changes on RNA splicing suggest that this variant may disrupt the consensus splice site. This variant has not been reported in the literature in individuals affected with SLC34A1-related conditions. This variant is not present in population databases (gnomAD no frequency). This sequence change affects a donor splice site in intron 7 of the SLC34A1 gene. It is expected to disrupt RNA splicing. Variants that disrupt the donor or acceptor splice site typically lead to a loss of protein function (PMID: 16199547), and loss-of-function variants in SLC34A1 are known to be pathogenic (PMID: 26047794).

Literature cited by the submitters: PubMed 16199547; PubMed 26047794.